The following is an entry in ClinVar:

NM_032043.3(BRIP1):c.1935+4A>C

Gene: BRIP1 (BRCA1 interacting DNA helicase 1; minus strand). Cytogenetic location: 17q23.2.
Variant type: single nucleotide variant.
Coding change: c.1935+4A>C on transcript NM_032043.3 (MANE Select); 4 bases into the intron after coding-DNA position 1935, A replaced by C.
Molecular consequence: intron variant.
Genome position (GRCh38, 1-based): chr17:61,780,257, T>G on the plus strand (A>C on the coding strand, the complement: BRIP1 is on the minus strand). VCF-style: chr17-61780257-T-G. GRCh37 (hg19) VCF-style: chr17-59857618-T-G.
Identifiers: ClinVar variation 5033434 (VCV005033434.1).
Genomic context (GRCh38, chr17:61,780,257, plus strand): 5'-GTTTACATAGTTATATTGAAGTAGAAACACTGAAGGCCTTCCAAAAAAAAAAACAACAAC[T>G]AACCTGTGAATTTTTAATGATATGATTAGCCTCCAGCTGGATAGTAAATGTAACACCAAG-3'

ClinVar aggregate classification (germline): Uncertain significance (1 of 4 stars; one submission).

Conditions:
Hereditary cancer-predisposing syndrome. Also called: Neoplastic Syndromes, Hereditary; Tumor predisposition; Hereditary neoplastic syndrome; Hereditary Cancer Syndrome. Identifiers: Orphanet 140162, MedGen C0027672, MeSH D009386, MONDO:0015356.

Submission:

Ambry Genetics
Classification: Uncertain significance for Hereditary cancer-predisposing syndrome. Last evaluated: 2026-07-30. Review status: criteria provided, single submitter. Criteria: Ambry Variant Classification Scheme 2023. Collection method: clinical testing. Allele origin: germline.
Comment: The c.1935+4A>C intronic variant results from an A to C substitution 4 nucleotides after coding exon 12 in the BRIP1 gene. This nucleotide position is well conserved in available vertebrate species. In silico splice site analysis predicts that this alteration may weaken the native splice donor site and may result in the creation or strengthening of a novel splice acceptor site. Based on the available evidence, the clinical significance of this variant remains unclear.